The following is an entry in ClinVar:

NM_004525.3(LRP2):c.12031T>C (p.Cys4011Arg)

Gene: LRP2 (LDL receptor related protein 2; minus strand). Cytogenetic location: 2q31.1.
Variant type: single nucleotide variant.
Coding change: c.12031T>C on transcript NM_004525.3 (MANE Select); coding-DNA position 12031, T replaced by C.
Protein change: p.Cys4011Arg; replaces cysteine 4011 with arginine.
Molecular consequence: missense variant.
Genome position (GRCh38, 1-based): chr2:169,156,394, A>G on the plus strand (T>C on the coding strand, the complement: LRP2 is on the minus strand). VCF-style: chr2-169156394-A-G. GRCh37 (hg19) VCF-style: chr2-170012904-A-G.
Other names: short protein forms C4011R.
Identifiers: ClinVar variation 4997630 (VCV004997630.1).

ClinVar aggregate classification (germline): Uncertain significance (1 of 4 stars; one submission).

Conditions:
LRP2-related disorder. Also called: LRP2-related condition.

Submission:

PreventionGenetics, part of Exact Sciences
Classification: Uncertain significance for LRP2-related condition. Last evaluated: 2025-04-29. Review status: criteria provided, single submitter. Criteria: ACMG Guidelines, 2015. Collection method: clinical testing. Allele origin: germline.
Comment: The LRP2 c.12031T>C variant is predicted to result in the amino acid substitution p.Cys4011Arg. To our knowledge, this variant has not been reported in the literature or in a large population database (gnomAD), indicating this variant is rare. At this time, the clinical significance of this variant is uncertain due to the absence of conclusive functional and genetic evidence.